The following is an entry in ClinVar:

NM_000390.4(CHM):c.189+1G>A

Gene: CHM (CHM Rab escort protein; minus strand). Cytogenetic location: Xq21.2.
Variant type: single nucleotide variant.
Coding change: c.189+1G>A on transcript NM_000390.4 (MANE Select); the canonical splice donor site of the intron after coding-DNA position 189, G replaced by A.
Molecular consequence: splice donor variant.
Genome position (GRCh38, 1-based): chrX:85,981,736, C>T on the plus strand (G>A on the coding strand, the complement: CHM is on the minus strand). VCF-style: chrX-85981736-C-T. GRCh37 (hg19) VCF-style: chrX-85236740-C-T.
Other names: c.-252+1G>A (NM_001362519.1, NM_001362518.2); c.-256+1G>A (NM_001362517.1, NM_001320959.1); c.189+1G>A (NM_001145414.4).
Identifiers: ClinVar variation 3249729 (VCV003249729.3).
Genomic context (GRCh38, chrX:85,981,736, plus strand): 5'-AGGGTTACTATGTAACATACAATAAAACAAAGCAAATTAAAAGGTCAGATACAAACTTTA[C>T]CTGGTATTCCTTTAGCCAGGACAATAGTCCTGAAAAGCTAAAACTGGCCCAGTTTCCTCC-3'

ClinVar aggregate classification (germline): Pathogenic. Review status: criteria provided, multiple submitters, no conflicts (2 of 4 stars). 2 submissions from 2 submitters: Pathogenic (2). Last evaluated 2024-06-20.

Conditions:
Retinal dystrophy. Also called: Inherited retinal dystrophy. Identifiers: Orphanet 71862, MedGen C0854723, MeSH D058499, MONDO:0019118, HP:0000556.

Submissions (2):

Labcorp Genetics (formerly Invitae), Labcorp
Classification: Pathogenic. Last evaluated: 2024-06-20. Review status: criteria provided, single submitter. Criteria: Invitae Variant Classification Sherloc (09022015). Collection method: clinical testing. Allele origin: germline.
Comment: This sequence change affects a donor splice site in intron 3 of the CHM gene. It is expected to disrupt RNA splicing. Variants that disrupt the donor or acceptor splice site typically lead to a loss of protein function (PMID: 16199547), and loss-of-function variants in CHM are known to be pathogenic (PMID: 9067750, 23811034). This variant is not present in population databases (gnomAD no frequency). Disruption of this splice site has been observed in individual(s) with choroideremia (PMID: 12827496). Algorithms developed to predict the effect of sequence changes on RNA splicing suggest that this variant may disrupt the consensus splice site. For these reasons, this variant has been classified as Pathogenic.

Institute of Human Genetics, Univ. Regensburg, Univ. Regensburg
Classification: Pathogenic for Retinal dystrophy. Last evaluated: 2014-01-01. Review status: criteria provided, single submitter. Criteria: ACMG Guidelines, 2015. Collection method: clinical testing. Allele origin: germline. Affected: yes.

Literature cited by the submitters: PubMed 16199547 (cited by Labcorp Genetics (formerly Invitae), Labcorp); PubMed 9067750 (cited by Labcorp Genetics (formerly Invitae), Labcorp); PubMed 23811034 (cited by Labcorp Genetics (formerly Invitae), Labcorp); PubMed 12827496 (cited by Labcorp Genetics (formerly Invitae), Labcorp and Institute of Human Genetics, Univ. Regensburg, Univ. Regensburg); PubMed 2552515 (cited by Institute of Human Genetics, Univ. Regensburg, Univ. Regensburg).